The following is an entry in ClinVar:

ClinVar aggregate classification (germline): Uncertain significance (1 of 4 stars; one submission).

Conditions:
Early-infantile DEE. Also called: Early infantile epileptic encephalopathy; Early infantile epileptic encephalopathy with suppression bursts; Ohtahara syndrome. Identifiers: Orphanet 1934, MedGen C0393706, MONDO:0800491.

gnomAD v4.1: 1 of 1,614,212 alleles (0.000062%); highest among the groups gnomAD compares: Non-Finnish European, 0.000085%; no homozygotes.

Submission:

Labcorp Genetics (formerly Invitae), Labcorp
Classification: Uncertain significance for Early-infantile DEE. Last evaluated: 2025-01-10. Review status: criteria provided, single submitter. Criteria: Invitae Variant Classification Sherloc (09022015). Collection method: clinical testing. Allele origin: germline.
Comment: This sequence change replaces lysine, which is basic and polar, with glutamine, which is neutral and polar, at codon 757 of the SPTAN1 protein (p.Lys757Gln). This variant is not present in population databases (gnomAD no frequency). This variant has not been reported in the literature in individuals affected with SPTAN1-related conditions. Invitae Evidence Modeling of protein sequence and biophysical properties (such as structural, functional, and spatial information, amino acid conservation, physicochemical variation, residue mobility, and thermodynamic stability) has been performed for this missense variant. However, the output from this modeling did not meet the statistical confidence thresholds required to predict the impact of this variant on SPTAN1 protein function. In summary, the available evidence is currently insufficient to determine the role of this variant in disease. Therefore, it has been classified as a Variant of Uncertain Significance.

NM_001130438.3(SPTAN1):c.2269A>C (p.Lys757Gln)

Gene: SPTAN1 (spectrin alpha, non-erythrocytic 1; plus strand). Cytogenetic location: 9q34.11.
Variant type: single nucleotide variant.
Coding change: c.2269A>C on transcript NM_001130438.3 (MANE Select); coding-DNA position 2269, A replaced by C.
Protein change: p.Lys757Gln; replaces lysine 757 with glutamine.
Molecular consequence: missense variant.
Genome position (GRCh38, 1-based): chr9:128,584,357, A>C. VCF-style: chr9-128584357-A-C. GRCh37 (hg19) VCF-style: chr9-131346636-A-C.
Other names: c.2269A>C, p.Lys757Gln (NM_001195532.2, NM_001363759.2, NM_001363765.2 and 5 more transcripts); c.2305A>C, p.Lys769Gln (NM_001375312.2, NM_001375318.1); short protein forms K769Q, K757Q.
Identifiers: ClinVar variation 3706316 (VCV003706316.2).